The following is an entry in ClinVar:

NM_002661.5(PLCG2):c.784C>G (p.Leu262Val)

Gene: PLCG2 (phospholipase C gamma 2; plus strand). Cytogenetic location: 16q23.3.
Variant type: single nucleotide variant.
Coding change: c.784C>G on transcript NM_002661.5 (MANE Select); coding-DNA position 784, C replaced by G.
Protein change: p.Leu262Val; replaces leucine 262 with valine.
Molecular consequence: missense variant.
Genome position (GRCh38, 1-based): chr16:81,889,190, C>G. VCF-style: chr16-81889190-C-G. GRCh37 (hg19) VCF-style: chr16-81922795-C-G.
Other names: c.784C>G (NM_002661.3); short protein forms L262V.
Identifiers: ClinVar variation 540106 (VCV000540106.45), dbSNP rs372563994, ClinGen allele CA8193455.

ClinVar aggregate classification (germline): Uncertain significance. Review status: criteria provided, multiple submitters, no conflicts (2 of 4 stars). 4 submissions from 4 submitters: Uncertain significance (4). Last evaluated 2024-10-30.

Conditions:
Inborn genetic diseases. Identifiers: MedGen C0950123, MeSH D030342.
Familial cold autoinflammatory syndrome 3 (FCAS3). Also called: FAMILIAL ATYPICAL COLD URTICARIA; ANTIBODY DEFICIENCY AND IMMUNE DYSREGULATION, PLCG2-ASSOCIATED. Identifiers: Orphanet 300359, MedGen C3280914, MONDO:0013766, OMIM 614468.
Autoinflammation-PLCG2-associated antibody deficiency-immune dysregulation. Also called: Autoinflammation, antibody deficiency, and immune dysregulation, plcg2-associated; AUTOINFLAMMATION, ANTIBODY DEFICIENCY, AND IMMUNE DYSREGULATION; Autoinflammation, antibody deficiency, and immune dysregulation syndrome. Identifiers: Orphanet 324530, MedGen C3553961, MONDO:0013944, OMIM 614878.

Allele frequency attached by ClinVar (database versions not stated): gnomAD 0.00001; gnomAD exomes 0.00004; ESP Exome Variant Server 0.00008; TOPMed 0.00006; ExAC 0.00007.
gnomAD v4.1: 44 of 1,600,272 alleles (0.0027%); highest among the groups gnomAD compares: Non-Finnish European, 0.0036%; no homozygotes.

Submissions (4):

Labcorp Genetics (formerly Invitae), Labcorp
Classification: Uncertain significance for Familial cold autoinflammatory syndrome 3. Last evaluated: 2024-10-30. Review status: criteria provided, single submitter. Criteria: Invitae Variant Classification Sherloc (09022015). Collection method: clinical testing. Allele origin: germline.
Comment: This sequence change replaces leucine, which is neutral and non-polar, with valine, which is neutral and non-polar, at codon 262 of the PLCG2 protein (p.Leu262Val). This variant is present in population databases (rs372563994, gnomAD 0.007%). This variant has not been reported in the literature in individuals affected with PLCG2-related conditions. ClinVar contains an entry for this variant (Variation ID: 540106). An algorithm developed to predict the effect of missense changes on protein structure and function outputs the following: PolyPhen-2: "Benign". The valine amino acid residue is found in multiple mammalian species, which suggests that this missense change does not adversely affect protein function. In summary, the available evidence is currently insufficient to determine the role of this variant in disease. Therefore, it has been classified as a Variant of Uncertain Significance.

Ambry Genetics
Classification: Uncertain significance for Inborn genetic diseases. Last evaluated: 2023-06-26. Review status: criteria provided, single submitter. Criteria: Ambry Variant Classification Scheme 2023. Collection method: clinical testing. Allele origin: germline.

Fulgent Genetics
Classification: Uncertain significance for Familial cold autoinflammatory syndrome 3; Autoinflammation-PLCG2-associated antibody deficiency-immune dysregulation. Last evaluated: 2022-05-17. Review status: criteria provided, single submitter. Criteria: ACMG Guidelines, 2015. Collection method: clinical testing. Allele origin: unknown.

CeGaT Center for Human Genetics Tuebingen
Classification: Uncertain significance. Last evaluated: 2021-04-01. Review status: criteria provided, single submitter. Criteria: CeGaT Center For Human Genetics Tuebingen Variant Classification Criteria Version 2. Collection method: clinical testing. Allele origin: germline. Affected: yes. Observed: 1 variant allele.